The following is an entry in ClinVar:

ClinVar aggregate classification (germline): Uncertain significance. Review status: criteria provided, multiple submitters, no conflicts (2 of 4 stars). 6 submissions from 5 submitters: Uncertain significance (6). Last evaluated 2023-09-01.

Conditions:
Inborn genetic diseases. Identifiers: MedGen C0950123, MeSH D030342.
Susceptibility to mononeuropathy of the median nerve, mild. Also called: CARPAL TUNNEL SYNDROME, SUSCEPTIBILITY TO. Identifiers: MedGen C3150596, MONDO:0013237, OMIM 613353.
Charcot-Marie-Tooth disease type 4C (CMT4C). Also called: Charcot-Marie-Tooth Neuropathy Type 4C (CMT4C); CHARCOT-MARIE-TOOTH DISEASE, DEMYELINATING, TYPE 4C; CHARCOT-MARIE-TOOTH DISEASE, DEMYELINATING, AUTOSOMAL RECESSIVE, TYPE 4C; CMT 4C; SH3TC2-Related Hereditary Motor and Sensory Neuropathy. Identifiers: Orphanet 99949, MedGen C1866636, MONDO:0011113, OMIM 601596.
Charcot-Marie-Tooth disease type 4. Also called: Charcot-Marie-Tooth disease, type IV; Charcot-Marie-Tooth, Type 4. Identifiers: Orphanet 64749, MedGen C4082197, MONDO:0018995.

Allele frequency attached by ClinVar (database versions not stated): TOPMed 0.00007.
gnomAD v4.1: 19 of 1,614,080 alleles (0.0012%); highest among the groups gnomAD compares: Non-Finnish European, 0.0015%; no homozygotes.

Submissions (6):

CeGaT Center for Human Genetics Tuebingen
Classification: Uncertain significance. Last evaluated: 2023-09-01. Review status: criteria provided, single submitter. Criteria: CeGaT Center For Human Genetics Tuebingen Variant Classification Criteria Version 2. Collection method: clinical testing. Allele origin: germline. Affected: yes. Observed: 1 variant allele.
Comment: SH3TC2: PM2

Athena Diagnostics
Classification: Uncertain significance. Last evaluated: 2023-02-16. Review status: criteria provided, single submitter. Criteria: Athena Diagnostics Criteria. Collection method: clinical testing. Allele origin: unknown.
Comment: Available data are insufficient to determine the clinical significance of the variant at this time. The frequency of this variant in the general population is uninformative in assessment of its pathogenicity. Computational tools disagree on the variant's effect on normal protein function.

Labcorp Genetics (formerly Invitae), Labcorp
Classification: Uncertain significance for Charcot-Marie-Tooth disease type 4. Last evaluated: 2022-08-16. Review status: criteria provided, single submitter. Criteria: Invitae Variant Classification Sherloc (09022015). Collection method: clinical testing. Allele origin: germline.
Comment: This sequence change replaces alanine, which is neutral and non-polar, with serine, which is neutral and polar, at codon 1145 of the SH3TC2 protein (p.Ala1145Ser). This variant is present in population databases (rs141715248, gnomAD 0.004%). Advanced modeling of protein sequence and biophysical properties (such as structural, functional, and spatial information, amino acid conservation, physicochemical variation, residue mobility, and thermodynamic stability) performed at Invitae indicates that this missense variant is not expected to disrupt SH3TC2 protein function. In summary, the available evidence is currently insufficient to determine the role of this variant in disease. Therefore, it has been classified as a Variant of Uncertain Significance. This variant has not been reported in the literature in individuals affected with SH3TC2-related conditions. ClinVar contains an entry for this variant (Variation ID: 351898).

Ambry Genetics
Classification: Uncertain significance for Inborn genetic diseases. Last evaluated: 2021-08-15. Review status: criteria provided, single submitter. Criteria: Ambry Variant Classification Scheme 2023. Collection method: clinical testing. Allele origin: germline.
Comment: The p.A1145S variant (also known as c.3433G>T), located in coding exon 15 of the SH3TC2 gene, results from a G to T substitution at nucleotide position 3433. The alanine at codon 1145 is replaced by serine, an amino acid with similar properties. This amino acid position is conserved. In addition, this alteration is predicted to be deleterious by in silico analysis. Since supporting evidence is limited at this time, the clinical significance of this alteration remains unclear.

Illumina Laboratory Services, Illumina
Classification: Uncertain significance for Charcot-Marie-Tooth disease type 4C. Last evaluated: 2018-01-12. Review status: criteria provided, single submitter. Criteria: ICSL Variant Classification Criteria 13 December 2019. Collection method: clinical testing. Allele origin: germline.

Illumina Laboratory Services, Illumina
Classification: Uncertain significance for Susceptibility to mononeuropathy of the median nerve, mild. Last evaluated: 2018-01-12. Review status: criteria provided, single submitter. Criteria: ICSL Variant Classification Criteria 13 December 2019. Collection method: clinical testing. Allele origin: germline.

Literature cited by the submitters: PubMed 25614874 (cited by Athena Diagnostics).

NM_024577.4(SH3TC2):c.3433G>T (p.Ala1145Ser)

Gene: SH3TC2 (SH3 domain and tetratricopeptide repeats 2; minus strand). Cytogenetic location: 5q32.
Variant type: single nucleotide variant.
Coding change: c.3433G>T on transcript NM_024577.4 (MANE Select); coding-DNA position 3433, G replaced by T.
Protein change: p.Ala1145Ser; replaces alanine 1145 with serine.
Molecular consequence: missense variant.
Genome position (GRCh38, 1-based): chr5:149,008,896, C>A on the plus strand (G>T on the coding strand, the complement: SH3TC2 is on the minus strand). VCF-style: chr5-149008896-C-A. GRCh37 (hg19) VCF-style: chr5-148388459-C-A.
Other names: short protein forms A1145S.
Identifiers: ClinVar variation 351898 (VCV000351898.38), dbSNP rs141715248, ClinGen allele CA3498747.
Genomic context (GRCh38, chr5:149,008,896, plus strand): 5'-GTGAAGACCACCCACCTGTGACTGTGCTGAGCCTGGCGGCCAGGGTGGCAAATTCCAAAG[C>A]CTTCTCATAGCCTTCGAGGCTAATCTGCAGCTCTGTCAGCTTATTGAAAATCCGGAGCTC-3'
Protein context (NP_078853.2, residues 1135-1155): LQISLEGYEK[Ala1145Ser]LEFATLAARL